The following is an entry in ClinVar:

NM_000391.4(TPP1):c.420C>T (p.His140=)

Gene: TPP1 (tripeptidyl peptidase 1; minus strand). Cytogenetic location: 11p15.4.
Variant type: single nucleotide variant.
Coding change: c.420C>T on transcript NM_000391.4 (MANE Select); coding-DNA position 420, C replaced by T.
Protein change: p.His140=; no amino-acid change (histidine 140 retained).
Molecular consequence: synonymous variant.
Genome position (GRCh38, 1-based): chr11:6,617,389, G>A on the plus strand (C>T on the coding strand, the complement: TPP1 is on the minus strand). VCF-style: chr11-6617389-G-A. GRCh37 (hg19) VCF-style: chr11-6638620-G-A.
Identifiers: ClinVar variation 383169 (VCV000383169.8), dbSNP rs1057521538, ClinGen allele CA16606361.
Genomic context (GRCh38, chr11:6,617,389, plus strand): 5'-TGGAAGCTGGTAGGGATGTGGGGACCTTACAACATGGGTTTCCGTAGGTCCTCCCACATA[G>A]TGATGAAACTCAGCCCCAGGGAGCAGCAGCTCTGCTTGTCTGGAGGTCAGAGAACAGAGG-3'
Protein context (NP_000382.3, residues 130-150): ELLLPGAEFH[His140=]YVGGPTETHV

ClinVar aggregate classification (germline): Likely benign. Review status: criteria provided, multiple submitters, no conflicts (2 of 4 stars). 2 submissions from 2 submitters: Likely benign (2). Last evaluated 2023-12-15.

Allele frequency attached by ClinVar (database versions not stated): gnomAD exomes below 0.00001 and 0.00001.
gnomAD v4.1: 10 of 1,614,162 alleles (0.00062%); highest among the groups gnomAD compares: Non-Finnish European, 0.00085%; no homozygotes.

Submissions (2):

Labcorp Genetics (formerly Invitae), Labcorp
Classification: Likely benign. Last evaluated: 2023-12-15. Review status: criteria provided, single submitter. Criteria: Invitae Variant Classification Sherloc (09022015). Collection method: clinical testing. Allele origin: germline.

GeneDx
Classification: Likely benign. Last evaluated: 2016-01-29. Review status: criteria provided, single submitter. Criteria: GeneDx Variant Classification (06012015). Collection method: clinical testing. Allele origin: germline. Affected: yes.
Comment: This variant is considered likely benign or benign based on one or more of the following criteria: it is a conservative change, it occurs at a poorly conserved position in the protein, it is predicted to be benign by multiple in silico algorithms, and/or has population frequency not consistent with disease.